The following is an entry in ClinVar:

ClinVar aggregate classification (germline): Uncertain significance. Review status: criteria provided, multiple submitters, no conflicts (2 of 4 stars). 5 submissions from 5 submitters: Uncertain significance (5). Last evaluated 2026-05-01.

Conditions:
Emery-Dreifuss muscular dystrophy 4, autosomal dominant (EDMD4). Also called: EMERY-DREIFUSS MUSCULAR DYSTROPHY 4 WITH VARIABLE FEATURES. Identifiers: Orphanet 261, MedGen C2751807, MONDO:0013071, OMIM 612998.
Autosomal recessive ataxia, Beauce type. Also called: SYNE1-Related Autosomal Recessive Cerebellar Ataxia; SYNE1 Deficiency; Spinocerebellar ataxia, autosomal recessive 8; ATAXIA, RECESSIVE, OF BEAUCE. Identifiers: Orphanet 88644, MedGen C1853116, MONDO:0012549, OMIM 610743.

Allele frequency attached by ClinVar (database versions not stated): gnomAD exomes 0.00004; ExAC 0.00008; gnomAD 0.00016; TOPMed 0.00016; 1000 Genomes Project 30x 0.00031; 1000 Genomes Project 0.00040.
gnomAD v4.1: 82 of 1,613,862 alleles (0.0051%); highest among the groups gnomAD compares: East Asian, 0.02%; no homozygotes.

Submissions (5):

CeGaT Center for Human Genetics Tuebingen
Classification: Uncertain significance. Last evaluated: 2026-05-01. Review status: criteria provided, single submitter. Criteria: CeGaT Center For Human Genetics Tuebingen Variant Classification Criteria Version 2. Collection method: clinical testing. Allele origin: germline. Affected: yes. Observed: 2 variant alleles.
Comment: SYNE1: PM2:Supporting, BP4

Labcorp Genetics (formerly Invitae), Labcorp
Classification: Uncertain significance for Emery-Dreifuss muscular dystrophy 4, autosomal dominant; Autosomal recessive ataxia, Beauce type. Last evaluated: 2024-02-24. Review status: criteria provided, single submitter. Criteria: Invitae Variant Classification Sherloc (09022015). Collection method: clinical testing. Allele origin: germline.
Comment: This sequence change replaces valine, which is neutral and non-polar, with isoleucine, which is neutral and non-polar, at codon 2224 of the SYNE1 protein (p.Val2224Ile). This variant is present in population databases (rs377531174, gnomAD 0.04%). This variant has not been reported in the literature in individuals affected with SYNE1-related conditions. ClinVar contains an entry for this variant (Variation ID: 538407). Algorithms developed to predict the effect of missense changes on protein structure and function output the following: SIFT: "Not Available"; PolyPhen-2: "Benign"; Align-GVGD: "Not Available". The isoleucine amino acid residue is found in multiple mammalian species, which suggests that this missense change does not adversely affect protein function. In summary, the available evidence is currently insufficient to determine the role of this variant in disease. Therefore, it has been classified as a Variant of Uncertain Significance.

Athena Diagnostics
Classification: Uncertain significance. Last evaluated: 2021-04-13. Review status: criteria provided, single submitter. Criteria: Athena Diagnostics criteria. Collection method: clinical testing. Allele origin: unknown.

Revvity Omics, Revvity
Classification: Uncertain significance. Last evaluated: 2019-04-15. Review status: criteria provided, single submitter. Criteria: ACMG Guidelines, 2015. Collection method: clinical testing. Allele origin: germline.

Eurofins Ntd Llc (ga)
Classification: Uncertain significance. Last evaluated: 2017-11-06. Review status: criteria provided, single submitter. Criteria: EGL Classification Definitions 2015. Collection method: clinical testing. Allele origin: germline. Observed: 1 variant allele, 1 heterozygote.

NM_182961.4(SYNE1):c.6649G>A (p.Val2217Ile)

Gene: SYNE1 (spectrin repeat containing nuclear envelope protein 1; minus strand). Cytogenetic location: 6q25.2.
Variant type: single nucleotide variant.
Coding change: c.6649G>A on transcript NM_182961.4 (MANE Select); coding-DNA position 6649, G replaced by A.
Protein change: p.Val2217Ile; replaces valine 2217 with isoleucine.
Molecular consequence: missense variant.
Genome position (GRCh38, 1-based): chr6:152,407,088, C>T on the plus strand (G>A on the coding strand, the complement: SYNE1 is on the minus strand). VCF-style: chr6-152407088-C-T. GRCh37 (hg19) VCF-style: chr6-152728223-C-T.
Other names: c.6649G>A (NM_182961.2); c.6670G>A, p.Val2224Ile (NM_033071.5); short protein forms V2217I, V2224I.
Identifiers: ClinVar variation 538407 (VCV000538407.56), dbSNP rs377531174, ClinGen allele CA4058021.
Genomic context (GRCh38, chr6:152,407,088, plus strand): 5'-GCAGTTCTTCAGCTCTGAGGTGGTTATCCAGGTTGCTGATGTTTTCTGCCATCTGTGGAA[C>T]GCAGTTGTTTGACCATCCCTCAATCTCATCTCTAGTTGACAGTACATCATCCCAAATGGA-3'
Protein context (NP_892006.3, residues 2207-2227): DEIEGWSNNC[Val2217Ile]PQMAENISNL